The following is an entry in ClinVar:

NM_006922.4(SCN3A):c.132T>G (p.Asp44Glu)

Gene: SCN3A (sodium voltage-gated channel alpha subunit 3; minus strand). Cytogenetic location: 2q24.3.
Variant type: single nucleotide variant.
Coding change: c.132T>G on transcript NM_006922.4 (MANE Select); coding-DNA position 132, T replaced by G.
Protein change: p.Asp44Glu; replaces aspartic acid 44 with glutamic acid.
Molecular consequence: missense variant.
Genome position (GRCh38, 1-based): chr2:165,176,263, A>C on the plus strand (T>G on the coding strand, the complement: SCN3A is on the minus strand). VCF-style: chr2-165176263-A-C. GRCh37 (hg19) VCF-style: chr2-166032773-A-C.
Other names: c.132T>G, p.Asp44Glu (NM_001081676.2, NM_001081677.2); short protein forms D44E.
Identifiers: ClinVar variation 660878 (VCV000660878.8), dbSNP rs781159373, ClinGen allele CA1939496.

ClinVar aggregate classification (germline): Uncertain significance (1 of 4 stars; one submission).

Allele frequency attached by ClinVar (database versions not stated): TOPMed 0.00001; gnomAD exomes 0.00002; gnomAD 0.00003; ExAC 0.00004.

Submission:

Labcorp Genetics (formerly Invitae), Labcorp
Classification: Uncertain significance. Last evaluated: 2025-05-27. Review status: criteria provided, single submitter. Criteria: Invitae Variant Classification Sherloc (09022015). Collection method: clinical testing. Allele origin: germline.
Comment: This sequence change replaces aspartic acid, which is acidic and polar, with glutamic acid, which is acidic and polar, at codon 44 of the SCN3A protein (p.Asp44Glu). This variant is present in population databases (rs781159373, gnomAD 0.005%). This variant has not been reported in the literature in individuals affected with SCN3A-related conditions. ClinVar contains an entry for this variant (Variation ID: 660878). Invitae Evidence Modeling of protein sequence and biophysical properties (such as structural, functional, and spatial information, amino acid conservation, physicochemical variation, residue mobility, and thermodynamic stability) indicates that this missense variant is not expected to disrupt SCN3A protein function with a negative predictive value of 95%. In summary, the available evidence is currently insufficient to determine the role of this variant in disease. Therefore, it has been classified as a Variant of Uncertain Significance.